The following is an entry in ClinVar:

ClinVar aggregate classification (germline): Pathogenic (1 of 4 stars; one submission).

Conditions:
Intellectual disability-facial dysmorphism syndrome due to SETD5 haploinsufficiency (MRD23). Also called: Intellectual developmental disorder, autosomal dominant 23. Identifiers: Orphanet 404440, MedGen C3810406, MONDO:0014336, OMIM 615761.

Submission:

Institute of Human Genetics, Heidelberg University
Classification: Pathogenic for Intellectual disability-facial dysmorphism syndrome due to SETD5 haploinsufficiency. Last evaluated: 2025-01-02. Review status: criteria provided, single submitter. Criteria: ACMG Guidelines, 2015. Collection method: clinical testing. Allele origin: maternal. Affected: yes.
Comment: PVS1_strong, PM2_supp, PS1_supp

NM_001080517.3(SETD5):c.960-1G>A

Gene: SETD5 (SET domain containing 5; plus strand). Cytogenetic location: 3p25.3.
Variant type: single nucleotide variant.
Coding change: c.960-1G>A on transcript NM_001080517.3 (MANE Select); the canonical splice acceptor site of the intron before coding-DNA position 960, G replaced by A.
Molecular consequence: splice acceptor variant.
Genome position (GRCh38, 1-based): chr3:9,442,127, G>A. VCF-style: chr3-9442127-G-A. GRCh37 (hg19) VCF-style: chr3-9483811-G-A.
Other names: c.666-1G>A (NM_001349451.2, NM_001292043.2).
Identifiers: ClinVar variation 3764652 (VCV003764652.2).
Genomic context (GRCh38, chr3:9,442,127, plus strand): 5'-AGTCATGGGGTGGCCTTCTTATTTGTGTTGAGAATTACAGGAATTTTAATTGTATCCCTA[G>A]ACCATACCCCTTTGTGCTCTTCTACTCAAAATTCAATGGTGTAGAGATGTGTGTGGATGC-3'